The following is an entry in ClinVar:

NM_020207.7(ERCC6L2):c.2811A>G (p.Val937=)

Gene: ERCC6L2 (ERCC excision repair 6 like 2; plus strand). Cytogenetic location: 9q22.32.
Variant type: single nucleotide variant.
Coding change: c.2811A>G on transcript NM_020207.7 (MANE Select); coding-DNA position 2811, A replaced by G.
Protein change: p.Val937=; no amino-acid change (valine 937 retained).
Molecular consequence: synonymous variant. On other transcripts: non-coding transcript variant (1).
Genome position (GRCh38, 1-based): chr9:95,972,562, A>G. VCF-style: chr9-95972562-A-G. GRCh37 (hg19) VCF-style: chr9-98734844-A-G.
Other names: p.Val948=; c.2844A>G (NM_020207.5); c.2811A>G, p.Val937= (NM_001375291.1, NM_001375292.1, NM_001375293.1 and 1 more transcripts).
Identifiers: ClinVar variation 1170221 (VCV001170221.21), dbSNP rs41281212, ClinGen allele CA5139836.
Genomic context (GRCh38, chr9:95,972,562, plus strand): 5'-TAGTATAAGGTTTAAGCCACCCTTGGAAGGATCTGAGGATTCTGAAACAGAACACACTGT[A>G]AAAACAAGAAATAATGATAATAGTCGAAACACTGATGACAAAAGAAATGGAATAATTTCA-3'
Protein context (NP_064592.3, residues 927-947): GSEDSETEHT[Val937=]KTRNNDNSRN

ClinVar aggregate classification (germline): Benign/Likely benign. Review status: criteria provided, multiple submitters, no conflicts (2 of 4 stars). 7 submissions from 7 submitters: Benign (5); Likely benign (1). 1 of the submissions does not count toward it. Last evaluated 2026-02-04.

Conditions:
ERCC6L2-related disorder. Also called: ERCC6L2-related condition.
Pancytopenia-developmental delay syndrome. Also called: Bone marrow failure syndrome 2. Identifiers: Orphanet 401764, MedGen C3810350, MONDO:0014317, OMIM 615715.

Allele frequency attached by ClinVar (database versions not stated): 1000 Genomes Project 30x 0.00609; 1000 Genomes Project 0.00619; TOPMed 0.01056; ExAC 0.01071; gnomAD exomes 0.01186; gnomAD 0.01244 and 0.01274.
gnomAD v4.1: 19,360 of 1,289,574 alleles (1.5%); highest among the groups gnomAD compares: Non-Finnish European, 1.7%; 157 homozygotes.

Submissions (7):

Labcorp Genetics (formerly Invitae), Labcorp
Classification: Benign. Last evaluated: 2026-02-04. Review status: criteria provided, single submitter. Criteria: Invitae Variant Classification Sherloc (09022015). Collection method: clinical testing. Allele origin: germline.

Mayo Clinic Laboratories, Mayo Clinic
Classification: Likely benign. Last evaluated: 2025-09-16. Review status: criteria provided, single submitter. Criteria: ACMG Guidelines, 2015. Collection method: clinical testing. Allele origin: germline. Observed: 3 variant alleles.
Comment: BS1, BP4, BP7

ARUP Laboratories, Molecular Genetics and Genomics, ARUP Laboratories
Classification: Benign for Pancytopenia-developmental delay syndrome. Last evaluated: 2025-04-16. Review status: criteria provided, single submitter. Criteria: ARUP Molecular Germline Variant Investigation Process 2024. Collection method: clinical testing. Allele origin: germline.

Blueprint Genetics
Classification: Benign. Last evaluated: 2024-11-26. Review status: criteria provided, single submitter. Criteria: ACMG Guidelines, 2015. Collection method: clinical testing. Allele origin: germline.

Genetic Services Laboratory, University of Chicago
Classification: Benign. Last evaluated: 2021-01-06. Review status: criteria provided, single submitter. Criteria: ACMG Guidelines, 2015. Collection method: clinical testing. Allele origin: germline. Affected: no.

Breakthrough Genomics
Classification: Benign. Review status: criteria provided, single submitter. Criteria: ACMG Guidelines, 2015. Collection method: not provided. Allele origin: germline. Inheritance: Autosomal recessive inheritance. Affected: yes.

PreventionGenetics, part of Exact Sciences
Classification: Benign for ERCC6L2-related condition. Last evaluated: 2019-07-02. Review status: no assertion criteria provided. Collection method: clinical testing. Allele origin: germline. Not counted in ClinVar's aggregate classification.
Comment: This variant is classified as benign based on ACMG/AMP sequence variant interpretation guidelines (Richards et al. 2015 PMID: 25741868, with internal and published modifications).